The following is an entry in ClinVar:

ClinVar aggregate classification (germline): Uncertain significance (1 of 4 stars; one submission).

Allele frequency attached by ClinVar (database versions not stated): gnomAD 0.00003; TOPMed 0.00003.

Submission:

Labcorp Genetics (formerly Invitae), Labcorp
Classification: Uncertain significance. Last evaluated: 2025-02-09. Review status: criteria provided, single submitter. Criteria: Invitae Variant Classification Sherloc (09022015). Collection method: clinical testing. Allele origin: germline.
Comment: This sequence change replaces proline, which is neutral and non-polar, with leucine, which is neutral and non-polar, at codon 84 of the FOXI3 protein (p.Pro84Leu). This variant is present in population databases (no rsID available, gnomAD 0.007%). This variant has not been reported in the literature in individuals affected with FOXI3-related conditions. ClinVar contains an entry for this variant (Variation ID: 2176646). Experimental studies and prediction algorithms are not available or were not evaluated, and the functional significance of this variant is currently unknown. In summary, the available evidence is currently insufficient to determine the role of this variant in disease. Therefore, it has been classified as a Variant of Uncertain Significance.

NM_001135649.3(FOXI3):c.251C>T (p.Pro84Leu)

Gene: FOXI3 (forkhead box I3; minus strand). Cytogenetic location: 2p11.2.
Variant type: single nucleotide variant.
Coding change: c.251C>T on transcript NM_001135649.3 (MANE Select); coding-DNA position 251, C replaced by T.
Protein change: p.Pro84Leu; replaces proline 84 with leucine.
Molecular consequence: missense variant.
Genome position (GRCh38, 1-based): chr2:88,452,285, G>A on the plus strand (C>T on the coding strand, the complement: FOXI3 is on the minus strand). VCF-style: chr2-88452285-G-A. GRCh37 (hg19) VCF-style: chr2-88751803-G-A.
Other names: short protein forms P84L.
Identifiers: ClinVar variation 2176646 (VCV002176646.4), dbSNP rs1359730841, ClinGen allele CA347766745.